The following is an entry in ClinVar:

NM_002485.5(NBN):c.481-18A>G

Gene: NBN (nibrin; minus strand). Cytogenetic location: 8q21.3.
Variant type: single nucleotide variant.
Coding change: c.481-18A>G on transcript NM_002485.5 (MANE Select); 18 bases into the intron before coding-DNA position 481, A replaced by G.
Molecular consequence: intron variant.
Genome position (GRCh38, 1-based): chr8:89,978,341, T>C on the plus strand (A>G on the coding strand, the complement: NBN is on the minus strand). VCF-style: chr8-89978341-T-C. GRCh37 (hg19) VCF-style: chr8-90990569-T-C.
Other names: c.235-18A>G (NM_001024688.3).
Identifiers: ClinVar variation 138429 (VCV000138429.11), dbSNP rs587781092, ClinGen allele CA292414.

ClinVar aggregate classification (germline): Conflicting classifications of pathogenicity. Review status: criteria provided, conflicting classifications (1 of 4 stars). 3 submissions from 3 submitters: Uncertain significance (1); Benign (2). Last evaluated 2025-12-07.

Conditions:
Hereditary cancer-predisposing syndrome. Also called: Neoplastic Syndromes, Hereditary; Hereditary Cancer Syndrome; Hereditary neoplastic syndrome; Tumor predisposition. Identifiers: Orphanet 140162, MedGen C0027672, MeSH D009386, MONDO:0015356.
Microcephaly, normal intelligence and immunodeficiency (NBS). Also called: Immunodeficiency, microcephaly with normal intelligence; SEEMANOVA SYNDROME II; Nijmegen breakage syndrome; Microcephaly with normal intelligence immunodeficiency and lymphoreticular malignancies; Nonsyndromal microcephaly autosomal recessive with normal intelligence; Seemanova syndrome 2. Identifiers: Orphanet 647, MedGen C0398791, MONDO:0009623, OMIM 251260.

Allele frequency attached by ClinVar (database versions not stated): gnomAD 0.00003 and 0.00004; gnomAD exomes 0.00006 and 0.00021; TOPMed 0.00011; ExAC 0.00026.
gnomAD v4.1: 97 of 1,575,712 alleles (0.0062%); highest among the groups gnomAD compares: Admixed American, 0.098%; 2 homozygotes.

Submissions (3):

Labcorp Genetics (formerly Invitae), Labcorp
Classification: Benign for Microcephaly, normal intelligence and immunodeficiency. Last evaluated: 2025-12-07. Review status: criteria provided, single submitter. Criteria: Invitae Variant Classification Sherloc (09022015). Collection method: clinical testing. Allele origin: germline.

Ambry Genetics
Classification: Uncertain significance for Hereditary cancer-predisposing syndrome. Last evaluated: 2015-04-03. Review status: criteria provided, single submitter. Criteria: Ambry Variant Classification Scheme 2023. Collection method: clinical testing. Allele origin: germline.
Comment: The c.481-18A>G intronic alteration consists of a A to G substitution 18 nucleotides before coding exon 5 in the NBN gene. Based on insufficient or conflicting evidence, the clinical significance of this alteration remains unclear.

GeneDx
Classification: Benign. Last evaluated: 2014-03-24. Review status: criteria provided, single submitter. Criteria: GeneDx Variant Classification (06012015). Collection method: clinical testing. Allele origin: germline. Affected: yes.
Comment: This variant is considered likely benign or benign based on one or more of the following criteria: it is a conservative change, it occurs at a poorly conserved position in the protein, it is predicted to be benign by multiple in silico algorithms, and/or has population frequency not consistent with disease.